The following is an entry in ClinVar:

NM_001005373.4(LRSAM1):c.2046+5del

Gene: LRSAM1 (leucine rich repeat and sterile alpha motif containing 1; plus strand). Cytogenetic location: 9q34.11.
Variant type: Deletion.
Coding change: c.2046+5del on transcript NM_001005373.4 (MANE Select); 5 bases into the intron after coding-DNA position 2046, one base deleted (G; older notation c.2046+5delG).
Molecular consequence: intron variant.
Genome position (GRCh38, 1-based): chr9:127,501,148, G deleted. VCF-style (leftmost placement, unchanged base first): chr9-127501147-AG-A. GRCh37 (hg19) VCF-style: chr9-130263426-AG-A.
Other names: c.2046+5del (NM_138361.5, NM_001384142.1, NM_001005374.4); c.1947+5del (NM_001384143.1); c.1965+5del (NM_001190723.3); c.1257+5del (NM_001384144.1).
Identifiers: ClinVar variation 3723596 (VCV003723596.2).

ClinVar aggregate classification (germline): Uncertain significance (1 of 4 stars; one submission).

Conditions:
Charcot-Marie-Tooth disease axonal type 2P. Also called: CHARCOT-MARIE-TOOTH NEUROPATHY, TYPE 2P; Charcot-Marie-Tooth Neuropathy Type 2G; CHARCOT-MARIE-TOOTH DISEASE, AXONAL, TYPE 2G; CMT 2G. Identifiers: Orphanet 300319, Orphanet 99941, MedGen C3280797, MONDO:0013753, OMIM 614436.

Submission:

Labcorp Genetics (formerly Invitae), Labcorp
Classification: Uncertain significance for Charcot-Marie-Tooth disease axonal type 2P. Last evaluated: 2024-10-23. Review status: criteria provided, single submitter. Criteria: Invitae Variant Classification Sherloc (09022015). Collection method: clinical testing. Allele origin: germline.
Comment: This sequence change falls in intron 24 of the LRSAM1 gene. It does not directly change the encoded amino acid sequence of the LRSAM1 protein. It affects a nucleotide within the consensus splice site. This variant is not present in population databases (gnomAD no frequency). This variant has not been reported in the literature in individuals affected with LRSAM1-related conditions. Variants that disrupt the consensus splice site are a relatively common cause of aberrant splicing (PMID: 17576681, 9536098). Algorithms developed to predict the effect of sequence changes on RNA splicing suggest that this variant is not likely to affect RNA splicing. In summary, the available evidence is currently insufficient to determine the role of this variant in disease. Therefore, it has been classified as a Variant of Uncertain Significance.

Literature cited by the submitters: PubMed 17576681; PubMed 9536098.